The following is an entry in ClinVar:

ClinVar aggregate classification (germline): Uncertain significance (1 of 4 stars; one submission).

Conditions:
MEGF10-related myopathy (CMYO10A). Also called: Congenital myopathy 10A, severe variant. Identifiers: Orphanet 439212, MedGen C3280679, MONDO:0013731, OMIM 614399.

Allele frequency attached by ClinVar (database versions not stated): gnomAD exomes below 0.00001 and 0.00001; ExAC 0.00001.
gnomAD v4.1: 5 of 1,614,114 alleles (0.00031%); highest among the groups gnomAD compares: Non-Finnish European, 0.00034%; no homozygotes.

Submission:

Labcorp Genetics (formerly Invitae), Labcorp
Classification: Uncertain significance for MEGF10-related myopathy. Last evaluated: 2021-11-06. Review status: criteria provided, single submitter. Criteria: Invitae Variant Classification Sherloc (09022015). Collection method: clinical testing. Allele origin: germline.
Comment: This variant is present in population databases (rs747789433, gnomAD 0.0009%). In summary, the available evidence is currently insufficient to determine the role of this variant in disease. Therefore, it has been classified as a Variant of Uncertain Significance. Algorithms developed to predict the effect of missense changes on protein structure and function are either unavailable or do not agree on the potential impact of this missense change (SIFT: "Deleterious"; PolyPhen-2: "Probably Damaging"; Align-GVGD: "Class C0"). This variant has not been reported in the literature in individuals affected with MEGF10-related conditions. This sequence change replaces threonine, which is neutral and polar, with alanine, which is neutral and non-polar, at codon 1032 of the MEGF10 protein (p.Thr1032Ala).

NM_001256545.2(MEGF10):c.3094A>G (p.Thr1032Ala)

Gene: MEGF10 (multiple EGF like domains 10; plus strand). Cytogenetic location: 5q23.2.
Variant type: single nucleotide variant.
Coding change: c.3094A>G on transcript NM_001256545.2 (MANE Select); coding-DNA position 3094, A replaced by G.
Protein change: p.Thr1032Ala; replaces threonine 1032 with alanine.
Molecular consequence: missense variant.
Genome position (GRCh38, 1-based): chr5:127,455,469, A>G. VCF-style: chr5-127455469-A-G. GRCh37 (hg19) VCF-style: chr5-126791161-A-G.
Other names: c.3094A>G, p.Thr1032Ala (NM_032446.3); short protein forms T1032A.
Identifiers: ClinVar variation 1401534 (VCV001401534.6), dbSNP rs747789433, ClinGen allele CA3392135.